The following is an entry in ClinVar:

NM_004562.3(PRKN):c.618+7881A>C

Gene: PRKN (parkin RBR E3 ubiquitin protein ligase; minus strand). Cytogenetic location: 6q26.
Variant type: single nucleotide variant.
Coding change: c.618+7881A>C on transcript NM_004562.3 (MANE Select); 7881 bases into the intron after coding-DNA position 618, A replaced by C.
Molecular consequence: intron variant.
Genome position (GRCh38, 1-based): chr6:162,046,210, T>G on the plus strand (A>C on the coding strand, the complement: PRKN is on the minus strand). VCF-style: chr6-162046210-T-G. GRCh37 (hg19) VCF-style: chr6-162467242-T-G.
Other names: c.172-72793A>C (NM_013988.3); c.535-72793A>C (NM_013987.3).
Identifiers: ClinVar variation 3355920 (VCV003355920.1).

ClinVar aggregate classification (germline): Likely benign (0 of 4 stars; one submission).

Conditions:
PRKN-related disorder. Also called: PRKN-related condition.

gnomAD v4.1: 184 of 152,300 alleles (0.12%); highest among the groups gnomAD compares: South Asian, 0.23%; no homozygotes.

Submission:

PreventionGenetics, part of Exact Sciences
Classification: Likely benign for PRKN-related condition. Last evaluated: 2024-03-20. Review status: no assertion criteria provided. Collection method: clinical testing. Allele origin: germline.
Comment: This variant is classified as likely benign based on ACMG/AMP sequence variant interpretation guidelines (Richards et al. 2015 PMID: 25741868, with internal and published modifications).